The following is an entry in ClinVar:

ClinVar aggregate classification (germline): Uncertain significance. Review status: criteria provided, multiple submitters, no conflicts (2 of 4 stars). 2 submissions from 2 submitters: Uncertain significance (2). Last evaluated 2026-07-07.

Conditions:
Oligodontia-cancer predisposition syndrome. Also called: TOOTH AGENESIS-COLORECTAL CANCER SYNDROME. Identifiers: Orphanet 300576, MedGen C1837750, MONDO:0012075, OMIM 608615. Disease mechanism: loss of function.
Hereditary cancer-predisposing syndrome. Also called: Hereditary Cancer Syndrome; Hereditary neoplastic syndrome; Neoplastic Syndromes, Hereditary; Tumor predisposition. Identifiers: Orphanet 140162, MedGen C0027672, MeSH D009386, MONDO:0015356.

Submissions (2):

Ambry Genetics
Classification: Uncertain significance for Hereditary cancer-predisposing syndrome. Last evaluated: 2026-07-07. Review status: criteria provided, single submitter. Criteria: Ambry Variant Classification Scheme 2023. Collection method: clinical testing. Allele origin: germline.
Comment: The p.L215F variant (also known as c.643C>T), located in coding exon 1 of the AXIN2 gene, results from a C to T substitution at nucleotide position 643. The leucine at codon 215 is replaced by phenylalanine, an amino acid with highly similar properties. This amino acid position is conserved. In addition, the in silico prediction for this alteration is inconclusive. Based on the available evidence, the clinical significance of this variant remains unclear.

Labcorp Genetics (formerly Invitae), Labcorp
Classification: Uncertain significance for Oligodontia-cancer predisposition syndrome. Last evaluated: 2023-08-11. Review status: criteria provided, single submitter. Criteria: Invitae Variant Classification Sherloc (09022015). Collection method: clinical testing. Allele origin: germline.
Comment: This variant has not been reported in the literature in individuals affected with AXIN2-related conditions. This sequence change replaces leucine, which is neutral and non-polar, with phenylalanine, which is neutral and non-polar, at codon 215 of the AXIN2 protein (p.Leu215Phe). This variant is not present in population databases (gnomAD no frequency). Advanced modeling of protein sequence and biophysical properties (such as structural, functional, and spatial information, amino acid conservation, physicochemical variation, residue mobility, and thermodynamic stability) performed at Invitae indicates that this missense variant is not expected to disrupt AXIN2 protein function. In summary, the available evidence is currently insufficient to determine the role of this variant in disease. Therefore, it has been classified as a Variant of Uncertain Significance.

NM_004655.4(AXIN2):c.643C>T (p.Leu215Phe)

Gene: AXIN2 (axin 2; minus strand). Cytogenetic location: 17q24.1.
Variant type: single nucleotide variant.
Coding change: c.643C>T on transcript NM_004655.4 (MANE Select); coding-DNA position 643, C replaced by T.
Protein change: p.Leu215Phe; replaces leucine 215 with phenylalanine.
Molecular consequence: missense variant.
Genome position (GRCh38, 1-based): chr17:65,557,978, G>A on the plus strand (C>T on the coding strand, the complement: AXIN2 is on the minus strand). VCF-style: chr17-65557978-G-A. GRCh37 (hg19) VCF-style: chr17-63554096-G-A.
Other names: c.643C>T, p.Leu215Phe (NM_001363813.1); short protein forms L215F.
Identifiers: ClinVar variation 2882428 (VCV002882428.4), dbSNP rs2144583636, ClinGen allele CA400680582.